The following is an entry in ClinVar:

NC_000002.12:g.(?_178709546)_(178711369_?)del

Gene: TTN (titin; minus strand). Cytogenetic location: 2q31.2.
Variant type: Deletion.
Identifiers: ClinVar variation 583431 (VCV000583431.3).

ClinVar aggregate classification (germline): Uncertain significance (1 of 4 stars; one submission).

Conditions:
Autosomal recessive limb-girdle muscular dystrophy type 2J (LGMDR10). Also called: Limb-girdle muscular dystrophy, type 2J; MUSCULAR DYSTROPHY, LIMB-GIRDLE, AUTOSOMAL RECESSIVE 10. Identifiers: Orphanet 140922, MedGen C1837342, MONDO:0012127, OMIM 608807.
Dilated cardiomyopathy 1G (CMD1G). Identifiers: Orphanet 154, MedGen C1858763, MONDO:0011400, OMIM 604145.

Submission:

Labcorp Genetics (formerly Invitae), Labcorp
Classification: Uncertain significance for Dilated cardiomyopathy 1G; Autosomal recessive limb-girdle muscular dystrophy type 2J. Last evaluated: 2018-05-30. Review status: criteria provided, single submitter. Criteria: Invitae Variant Classification Sherloc (09022015). Collection method: clinical testing. Allele origin: germline.
Comment: In summary, the available evidence is currently insufficient to determine the role of this variant in disease. Therefore, it has been classified as a Variant of Uncertain Significance. This variant has not been reported in the literature in individuals with TTN-related disease.¬†This variant is located in the I band of TTN (PMID: 25589632).¬†Variants in this region may be relevant for neuromuscular disorders, but have not been definitively shown to cause cardiomyopathy (PMID: 23975875). This variant is an in-frame deletion of the genomic region encompassing exons 97-99 of the TTN gene. It preserves the integrity of the reading frame.

Literature cited by the submitters: PubMed 25589632; PubMed 23975875.